The following is an entry in ClinVar:

ClinVar aggregate classification (germline): Likely benign (1 of 4 stars; one submission).

gnomAD v4.1: 688 of 1,607,446 alleles (0.043%); highest among the groups gnomAD compares: East Asian, 1.2%; 6 homozygotes.

Submission:

CeGaT Center for Human Genetics Tuebingen
Classification: Likely benign. Last evaluated: 2026-04-01. Review status: criteria provided, single submitter. Criteria: CeGaT Center For Human Genetics Tuebingen Variant Classification Criteria Version 2. Collection method: clinical testing. Allele origin: germline. Affected: yes. Observed: 2 variant alleles.
Comment: TRMT1: BP4, BP7, BS1

NM_001136035.4(TRMT1):c.1521G>A (p.Pro507=)

Gene: TRMT1 (tRNA methyltransferase 1; minus strand). Cytogenetic location: 19p13.13.
Variant type: single nucleotide variant.
Coding change: c.1521G>A on transcript NM_001136035.4 (MANE Select); coding-DNA position 1521, G replaced by A.
Protein change: p.Pro507=; no amino-acid change (proline 507 retained).
Molecular consequence: synonymous variant.
Genome position (GRCh38, 1-based): chr19:13,107,636, C>T on the plus strand (G>A on the coding strand, the complement: TRMT1 is on the minus strand). VCF-style: chr19-13107636-C-T. GRCh37 (hg19) VCF-style: chr19-13218450-C-T.
Other names: c.1434G>A, p.Pro478= (NM_001142554.3, NM_001351760.2); c.1413G>A, p.Pro471= (NM_001351761.2); c.738G>A, p.Pro246= (NM_001351762.2); c.1521G>A, p.Pro507= (NM_017722.5).
Identifiers: ClinVar variation 4083855 (VCV004083855.8).
Genomic context (GRCh38, chr19:13,107,636, plus strand): 5'-GGGCTCCACACTGAGAATGCGGAACGCTGGGCTAGTCTCTGATAGTCGCTCCCGTTTCAC[C>T]GGACATTCCTTCTCCTGGGGGCAGAGGTCAGAGGTTAGGGAATACTAGGCCCAAGGGACC-3'
Protein context (NP_001129507.1, residues 497-517): DIMRCWEKEC[Pro507=]VKRERLSETS